The following is an entry in ClinVar:

NM_000038.6(APC):c.1945A>G (p.Asn649Asp)

Gene: APC (APC regulator of Wnt signaling pathway; plus strand). Cytogenetic location: 5q22.2.
Variant type: single nucleotide variant.
Coding change: c.1945A>G on transcript NM_000038.6 (MANE Select); coding-DNA position 1945, A replaced by G.
Protein change: p.Asn649Asp; replaces asparagine 649 with aspartic acid.
Molecular consequence: missense variant. On other transcripts: non-coding transcript variant (2).
Genome position (GRCh38, 1-based): chr5:112,835,152, A>G. VCF-style: chr5-112835152-A-G. GRCh37 (hg19) VCF-style: chr5-112170849-A-G.
Other names: c.1945A>G, p.Asn649Asp (NM_001127510.3, NM_001354895.2, NM_001407450.1); c.1891A>G, p.Asn631Asp (NM_001127511.3); c.1999A>G, p.Asn667Asp (NM_001354896.2, NM_001407447.1, NM_001407448.1 and 1 more transcripts); c.1975A>G, p.Asn659Asp (NM_001354897.2); c.1870A>G, p.Asn624Asp (NM_001354898.2); c.1861A>G, p.Asn621Asp (NM_001354899.2); c.1822A>G, p.Asn608Asp (NM_001354900.2); c.1768A>G, p.Asn590Asp (NM_001354901.2, NM_001407453.1); and 12 more; short protein forms N366D, N489D, N639D, N667D, N677D, N520D, N566D, N642D.
Identifiers: ClinVar variation 2823068 (VCV002823068.4), dbSNP rs1156576151, ClinGen allele CA16025565.
Genomic context (GRCh38, chr5:112,835,152, plus strand): 5'-TTAGCCATTATTGAAAGTGGAGGTGGGATATTACGGAATGTGTCCAGCTTGATAGCTACA[A>G]ATGAGGACCACAGGTATATATAGAGTTTTATATTACTTTTAAAGTACAGAATTCATACTC-3'
Protein context (NP_000029.2, residues 639-659): LRNVSSLIAT[Asn649Asp]EDHRQILREN

ClinVar aggregate classification (germline): Uncertain significance. Review status: criteria provided, multiple submitters, no conflicts (2 of 4 stars). 2 submissions from 2 submitters: Uncertain significance (2). Last evaluated 2024-07-30.

Conditions:
Hereditary cancer-predisposing syndrome. Also called: Neoplastic Syndromes, Hereditary; Hereditary neoplastic syndrome; Tumor predisposition; Hereditary Cancer Syndrome. Identifiers: Orphanet 140162, MedGen C0027672, MeSH D009386, MONDO:0015356.
Familial adenomatous polyposis 1 (FAP1). Also called: POLYPOSIS, ADENOMATOUS INTESTINAL; FAMILIAL ADENOMATOUS POLYPOSIS 1, ATTENUATED. Identifiers: MedGen C2713442, MONDO:0021056, OMIM 175100. Disease mechanism: loss of function.

Allele frequency attached by ClinVar (database versions not stated): gnomAD exomes below 0.00001.
gnomAD v4.1: 2 of 1,613,796 alleles (0.00012%); highest among the groups gnomAD compares: Non-Finnish European, 0.00017%; no homozygotes.

Submissions (2):

Ambry Genetics
Classification: Uncertain significance for Hereditary cancer-predisposing syndrome. Last evaluated: 2024-07-30. Review status: criteria provided, single submitter. Criteria: Ambry Variant Classification Scheme 2023. Collection method: clinical testing. Allele origin: germline.
Comment: The p.N649D variant (also known as c.1945A>G), located in coding exon 14 of the APC gene, results from an A to G substitution at nucleotide position 1945. The asparagine at codon 649 is replaced by aspartic acid, an amino acid with highly similar properties. This amino acid position is conserved. In addition, in silico predictors for this gene do not accurately predict pathogenicity. Based on the available evidence, the clinical significance of this variant remains unclear.

Labcorp Genetics (formerly Invitae), Labcorp
Classification: Uncertain significance for Familial adenomatous polyposis 1. Last evaluated: 2022-12-21. Review status: criteria provided, single submitter. Criteria: Invitae Variant Classification Sherloc (09022015). Collection method: clinical testing. Allele origin: germline.
Comment: This variant has not been reported in the literature in individuals affected with APC-related conditions. In summary, the available evidence is currently insufficient to determine the role of this variant in disease. Therefore, it has been classified as a Variant of Uncertain Significance. Advanced modeling of protein sequence and biophysical properties (such as structural, functional, and spatial information, amino acid conservation, physicochemical variation, residue mobility, and thermodynamic stability) performed at Invitae indicates that this missense variant is not expected to disrupt APC protein function. This variant is present in population databases (no rsID available, gnomAD 0.0009%). This sequence change replaces asparagine, which is neutral and polar, with aspartic acid, which is acidic and polar, at codon 649 of the APC protein (p.Asn649Asp).